The following is an entry in ClinVar:

NC_000014.8:g.(?_67243162)_(67243259_?)dup

Gene: GPHN (gephyrin; plus strand). Cytogenetic location: 14q23.3.
Variant type: Duplication.
Identifiers: ClinVar variation 3243994 (VCV003243994.1).

ClinVar aggregate classification (germline): Likely pathogenic (1 of 4 stars; one submission).

Conditions:
Sulfite oxidase deficiency due to molybdenum cofactor deficiency type C. Also called: Molybdenum cofactor deficiency, complementation group C; Molybdenum cofactor deficiency C. Identifiers: Orphanet 308400, Orphanet 833, MedGen C1854990, MONDO:0014212, OMIM 615501.

Submission:

Labcorp Genetics (formerly Invitae), Labcorp
Classification: Likely pathogenic for Sulfite oxidase deficiency due to molybdenum cofactor deficiency type C. Last evaluated: 2023-12-22. Review status: criteria provided, single submitter. Criteria: Invitae Variant Classification Sherloc (09022015). Collection method: clinical testing. Allele origin: unknown.
Comment: This variant results in a copy number gain of the genomic region encompassing exon(s) 3 of the GPHN gene. While the exact position of this variant cannot be determined from the data, sub-genic copy number gains are generally in tandem (PMID: 25640679). This variant is predicted to be out-of-frame, and may result in an absent or disrupted protein product. Loss-of-function variants in GPHN are known to be pathogenic (PMID: 11095995, 23184456, 23393157, 24561070, 26613940). This variant has not been reported in the literature in individuals affected with GPHN-related conditions. In summary, the currently available evidence indicates that the variant is pathogenic, but additional data are needed to prove that conclusively. Therefore, this variant has been classified as Likely Pathogenic.

Literature cited by the submitters: PubMed 25640679; PubMed 11095995; PubMed 23184456; PubMed 23393157; PubMed 24561070; PubMed 26613940.